The following is an entry in ClinVar:

ClinVar aggregate classification (germline): Likely benign (1 of 4 stars; one submission).

gnomAD v4.1: 139 of 1,613,986 alleles (0.0086%); highest among the groups gnomAD compares: Non-Finnish European, 0.011%; no homozygotes.

Submission:

CeGaT Center for Human Genetics Tuebingen
Classification: Likely benign. Last evaluated: 2026-01-01. Review status: criteria provided, single submitter. Criteria: CeGaT Center For Human Genetics Tuebingen Variant Classification Criteria Version 2. Collection method: clinical testing. Allele origin: germline. Affected: yes. Observed: 3 variant alleles.
Comment: DLK1: BP4, BP7

NM_003836.7(DLK1):c.201C>T (p.Leu67=)

Gene: DLK1 (delta like non-canonical Notch ligand 1; plus strand). Cytogenetic location: 14q32.2.
Variant type: single nucleotide variant.
Coding change: c.201C>T on transcript NM_003836.7 (MANE Select); coding-DNA position 201, C replaced by T.
Protein change: p.Leu67=; no amino-acid change (leucine 67 retained).
Molecular consequence: synonymous variant.
Genome position (GRCh38, 1-based): chr14:100,729,005, C>T. VCF-style: chr14-100729005-C-T. GRCh37 (hg19) VCF-style: chr14-101195342-C-T.
Other names: c.201C>T, p.Leu67= (NM_001317172.2).
Identifiers: ClinVar variation 3771008 (VCV003771008.13).